The following is an entry in ClinVar:

ClinVar aggregate classification (germline): Uncertain significance (1 of 4 stars; one submission).

Submission:

Labcorp Genetics (formerly Invitae), Labcorp
Classification: Uncertain significance. Last evaluated: 2025-11-17. Review status: criteria provided, single submitter. Criteria: Invitae Variant Classification Sherloc (09022015). Collection method: clinical testing. Allele origin: germline.
Comment: This sequence change replaces histidine, which is basic and polar, with tyrosine, which is neutral and polar, at codon 69 of the STT3A protein (p.His69Tyr). This variant is not present in population databases (gnomAD no frequency). This variant has not been reported in the literature in individuals affected with STT3A-related conditions. ClinVar contains an entry for this variant (Variation ID: 3632343). Invitae Evidence Modeling of protein sequence and biophysical properties (such as structural, functional, and spatial information, amino acid conservation, physicochemical variation, residue mobility, and thermodynamic stability) indicates that this missense variant is not expected to disrupt STT3A protein function with a negative predictive value of 80%. In summary, the available evidence is currently insufficient to determine the role of this variant in disease. Therefore, it has been classified as a Variant of Uncertain Significance.

NM_152713.5(STT3A):c.205C>T (p.His69Tyr)

Gene: STT3A (STT3 oligosaccharyltransferase complex catalytic subunit A; plus strand). Cytogenetic location: 11q24.2.
Variant type: single nucleotide variant.
Coding change: c.205C>T on transcript NM_152713.5 (MANE Select); coding-DNA position 205, C replaced by T.
Protein change: p.His69Tyr; replaces histidine 69 with tyrosine.
Molecular consequence: missense variant. On other transcripts: 5 prime UTR variant (1).
Genome position (GRCh38, 1-based): chr11:125,602,358, C>T. VCF-style: chr11-125602358-C-T. GRCh37 (hg19) VCF-style: chr11-125472253-C-T.
Other names: c.205C>T, p.His69Tyr (NM_001278503.2); c.-72C>T (NM_001278504.2); short protein forms H69Y.
Identifiers: ClinVar variation 3632343 (VCV003632343.2).